The following is an entry in ClinVar:

NM_002582.4(PARN):c.1016ACA[1] (p.Asn340del)

Gene: PARN (poly(A)-specific ribonuclease; minus strand). Cytogenetic location: 16p13.12.
Variant type: Microsatellite.
Coding change: c.1016ACA[1] on transcript NM_002582.4 (MANE Select); one copy of the 3-base unit ACA starting at c.1016; the reference has two copies in a row; one copy, 3 bases deleted.
Protein change: p.Asn340del; deletes asparagine 340.
Molecular consequence: inframe deletion.
Genome position (GRCh38, 1-based): chr16:14,584,407-14,584,409, TGT deleted on the plus strand (ACA on the coding strand, the reverse complement: PARN is on the minus strand); deleting any 3 consecutive bases within chr16:14,584,407-14,584,413 gives the same sequence; the position shown is the placement nearest the transcript's 3' end. VCF-style (leftmost placement, unchanged base first): chr16-14584406-GTGT-G. GRCh37 (hg19) VCF-style: chr16-14678263-GTGT-G.
Other names: c.833ACA[1], p.Asn279del (NM_001134477.3); c.878ACA[1], p.Asn294del (NM_001242992.2); short protein forms N279del, N294del, N340del.
Identifiers: ClinVar variation 1464040 (VCV001464040.8), dbSNP rs2151754075, ClinGen allele CA2580613425.
Genomic context (GRCh38, chr16:14,584,406, plus strand): 5'-CCAACTTTAGGAGGGTTGAAAGGTGTCTCTTTTAACCGCTTTTCCAATTCCGCAAGGGAT[GTGT>G]TGTTAATGATATCCTGCAAACCACGAAGCAAAGAATTATGAGATTTCATCATCTCAGAAC-3'

ClinVar aggregate classification (germline): Uncertain significance (1 of 4 stars; one submission).

Conditions:
Dyskeratosis congenita, autosomal recessive 6 (DKCB6). Identifiers: MedGen C4225356, MONDO:0014600, OMIM 616353.
Pulmonary fibrosis and/or bone marrow failure, Telomere-related, 4. Also called: PULMONARY FIBROSIS AND/OR BONE MARROW FAILURE SYNDROME, TELOMERE-RELATED, 4. Identifiers: Orphanet 2032, MedGen C4225347, MONDO:0014612, OMIM 616371.

Submission:

Labcorp Genetics (formerly Invitae), Labcorp
Classification: Uncertain significance for Dyskeratosis congenita, autosomal recessive 6; Pulmonary fibrosis and/or bone marrow failure, Telomere-related, 4. Last evaluated: 2021-02-02. Review status: criteria provided, single submitter. Criteria: Invitae Variant Classification Sherloc (09022015). Collection method: clinical testing. Allele origin: germline.
Comment: In summary, the available evidence is currently insufficient to determine the role of this variant in disease. Therefore, it has been classified as a Variant of Uncertain Significance. Experimental studies and prediction algorithms are not available or were not evaluated, and the functional significance of this variant is currently unknown. This variant has not been reported in the literature in individuals with PARN-related conditions. This variant is not present in population databases (ExAC no frequency). This variant, c.1019_1021del, results in the deletion of 1 amino acid(s) of the PARN protein (p.Asn340del), but otherwise preserves the integrity of the reading frame.